The following is an entry in ClinVar:

ClinVar aggregate classification (germline): Likely pathogenic (1 of 4 stars; one submission).

Conditions:
Polyglandular autoimmune syndrome, type 1 (APS1). Also called: AUTOIMMUNE POLYENDOCRINE SYNDROME, TYPE I, WITH OR WITHOUT REVERSIBLE METAPHYSEAL DYSPLASIA; APS I; HYPOADRENOCORTICISM WITH HYPOPARATHYROIDISM AND SUPERFICIAL MONILIASIS; PGA I; Whitaker syndrome; Autoimmune polyendocrinopathy syndrome, type I. Identifiers: Orphanet 3453, MedGen C0085859, MONDO:0009411, OMIM 240300.

Submission:

Myriad Genetics, Inc.
Classification: Likely pathogenic for Polyglandular autoimmune syndrome, type 1. Last evaluated: 2019-12-03. Review status: criteria provided, single submitter. Criteria: Myriad Women's Health Autosomal Recessive and X-Linked Classification Criteria (2019). Collection method: clinical testing. Allele origin: unknown.
Comment: NM_000383.3(AIRE):c.880A>T(K294*) is expected to be pathogenic in the context of autoimmune polyglandular syndrome type 1. This variant is predicted to lead to an abnormal or absent protein product due to the creation of a premature termination codon in AIRE, a gene where loss-of-function variants are known to be pathogenic. Please note: this variant was assessed in the context of healthy population screening.

NM_000383.4(AIRE):c.880A>T (p.Lys294Ter)

Gene: AIRE (autoimmune regulator; plus strand). Cytogenetic location: 21q22.3.
Variant type: single nucleotide variant.
Coding change: c.880A>T on transcript NM_000383.4 (MANE Select); coding-DNA position 880, A replaced by T.
Protein change: p.Lys294Ter; replaces lysine 294 with a stop codon.
Molecular consequence: nonsense.
Genome position (GRCh38, 1-based): chr21:44,291,095, A>T. VCF-style: chr21-44291095-A-T. GRCh37 (hg19) VCF-style: chr21-45710978-A-T.
Other names: short protein forms K294*.
Identifiers: ClinVar variation 983806 (VCV000983806.3), dbSNP rs2040534254, ClinGen allele CA410424787.